The following is an entry in ClinVar:

ClinVar aggregate classification (germline): Uncertain significance (1 of 4 stars; one submission).

Allele frequency attached by ClinVar (database versions not stated): TOPMed below 0.00001; gnomAD exomes below 0.00001.
gnomAD v4.1: 1 of 1,609,276 alleles (0.000062%); highest among the groups gnomAD compares: Non-Finnish European, 0.000085%; no homozygotes.

Submission:

Labcorp Genetics (formerly Invitae), Labcorp
Classification: Uncertain significance. Last evaluated: 2022-08-10. Review status: criteria provided, single submitter. Criteria: Invitae Variant Classification Sherloc (09022015). Collection method: clinical testing. Allele origin: germline.
Comment: In summary, the available evidence is currently insufficient to determine the role of this variant in disease. Therefore, it has been classified as a Variant of Uncertain Significance. Algorithms developed to predict the effect of missense changes on protein structure and function (SIFT, PolyPhen-2, Align-GVGD) all suggest that this variant is likely to be tolerated. This variant has not been reported in the literature in individuals affected with ERBIN-related conditions. This variant is not present in population databases (gnomAD no frequency). This sequence change replaces aspartic acid, which is acidic and polar, with glutamic acid, which is acidic and polar, at codon 727 of the ERBIN protein (p.Asp727Glu).

NM_001253697.2(ERBIN):c.2181T>G (p.Asp727Glu)

Gene: ERBIN (erbb2 interacting protein; plus strand). Cytogenetic location: 5q12.3.
Variant type: single nucleotide variant.
Coding change: c.2181T>G on transcript NM_001253697.2 (MANE Select); coding-DNA position 2181, T replaced by G.
Protein change: p.Asp727Glu; replaces aspartic acid 727 with glutamic acid.
Molecular consequence: missense variant.
Genome position (GRCh38, 1-based): chr5:66,053,499, T>G. VCF-style: chr5-66053499-T-G. GRCh37 (hg19) VCF-style: chr5-65349327-T-G.
Other names: c.2181T>G, p.Asp727Glu (NM_001006600.3, NM_001253698.2, NM_001253699.2 and 1 more transcripts); c.2169T>G, p.Asp723Glu (NM_001253701.2); short protein forms D723E, D727E.
Identifiers: ClinVar variation 2064723 (VCV002064723.4), dbSNP rs1759258387, ClinGen allele CA359864343.
Genomic context (GRCh38, chr5:66,053,499, plus strand): 5'-AAATGGAGATATTTTAAACAGTTCAACAGAGGAAAAGTTCAAAGCTCATGATAAAAAAGA[T>G]TTTAACTTACCTGAATATGATTTGAATGTTGAAGAGCGATTAGTTCTAATTGAGAAAAGT-3'
Protein context (NP_001240626.1, residues 717-737): EEKFKAHDKK[Asp727Glu]FNLPEYDLNV